The following is an entry in ClinVar:

NM_001792.5(CDH2):c.892A>G (p.Asn298Asp)

Gene: CDH2 (cadherin 2; minus strand). Cytogenetic location: 18q12.1.
Variant type: single nucleotide variant.
Coding change: c.892A>G on transcript NM_001792.5 (MANE Select); coding-DNA position 892, A replaced by G.
Protein change: p.Asn298Asp; replaces asparagine 298 with aspartic acid.
Molecular consequence: missense variant.
Genome position (GRCh38, 1-based): chr18:28,003,125, T>C on the plus strand (A>G on the coding strand, the complement: CDH2 is on the minus strand). VCF-style: chr18-28003125-T-C. GRCh37 (hg19) VCF-style: chr18-25583089-T-C.
Other names: c.799A>G, p.Asn267Asp (NM_001308176.2); short protein forms N267D, N298D.
Identifiers: ClinVar variation 2451006 (VCV002451006.5), dbSNP rs201695474, ClinGen allele CA8923573.

ClinVar aggregate classification (germline): Uncertain significance. Review status: criteria provided, multiple submitters, no conflicts (2 of 4 stars). 2 submissions from 2 submitters: Uncertain significance (2). Last evaluated 2025-04-18.

Conditions:
Inborn genetic diseases. Identifiers: MedGen C0950123, MeSH D030342.

Allele frequency attached by ClinVar (database versions not stated): TOPMed below 0.00001; ExAC 0.00001; gnomAD 0.00001; gnomAD exomes 0.00001.
gnomAD v4.1: 9 of 1,613,852 alleles (0.00056%); highest among the groups gnomAD compares: Admixed American, 0.0017%; no homozygotes.

Submissions (2):

Ambry Genetics
Classification: Uncertain significance for Inborn genetic diseases. Last evaluated: 2025-04-18. Review status: criteria provided, single submitter. Criteria: Ambry Variant Classification Scheme 2023. Collection method: clinical testing. Allele origin: germline.

Labcorp Genetics (formerly Invitae), Labcorp
Classification: Uncertain significance. Last evaluated: 2024-02-02. Review status: criteria provided, single submitter. Criteria: Invitae Variant Classification Sherloc (09022015). Collection method: clinical testing. Allele origin: germline.
Comment: This sequence change replaces asparagine, which is neutral and polar, with aspartic acid, which is acidic and polar, at codon 298 of the CDH2 protein (p.Asn298Asp). This variant is present in population databases (rs201695474, gnomAD 0.003%). This variant has not been reported in the literature in individuals affected with CDH2-related conditions. ClinVar contains an entry for this variant (Variation ID: 2451006). An algorithm developed to predict the effect of missense changes on protein structure and function (PolyPhen-2) suggests that this variant is likely to be tolerated. In summary, the available evidence is currently insufficient to determine the role of this variant in disease. Therefore, it has been classified as a Variant of Uncertain Significance.